The following is an entry in ClinVar:

ClinVar aggregate classification (germline): Uncertain significance (1 of 4 stars; one submission).

Submission:

Labcorp Genetics (formerly Invitae), Labcorp
Classification: Uncertain significance. Last evaluated: 2024-04-09. Review status: criteria provided, single submitter. Criteria: Invitae Variant Classification Sherloc (09022015). Collection method: clinical testing. Allele origin: germline.
Comment: This sequence change replaces threonine, which is neutral and polar, with alanine, which is neutral and non-polar, at codon 1123 of the CACNA1E protein (p.Thr1123Ala). This variant is not present in population databases (gnomAD no frequency). This variant has not been reported in the literature in individuals affected with CACNA1E-related conditions. Advanced modeling of protein sequence and biophysical properties (such as structural, functional, and spatial information, amino acid conservation, physicochemical variation, residue mobility, and thermodynamic stability) performed at Invitae indicates that this missense variant is not expected to disrupt CACNA1E protein function with a negative predictive value of 95%. In summary, the available evidence is currently insufficient to determine the role of this variant in disease. Therefore, it has been classified as a Variant of Uncertain Significance.

NM_001205293.3(CACNA1E):c.3367A>G (p.Thr1123Ala)

Gene: CACNA1E (calcium voltage-gated channel subunit alpha1 E; plus strand). Cytogenetic location: 1q25.3.
Variant type: single nucleotide variant.
Coding change: c.3367A>G on transcript NM_001205293.3 (MANE Select); coding-DNA position 3367, A replaced by G.
Protein change: p.Thr1123Ala; replaces threonine 1123 with alanine.
Molecular consequence: missense variant.
Genome position (GRCh38, 1-based): chr1:181,736,379, A>G. VCF-style: chr1-181736379-A-G. GRCh37 (hg19) VCF-style: chr1-181705515-A-G.
Other names: c.3367A>G, p.Thr1123Ala (NM_000721.4); c.3310A>G, p.Thr1104Ala (NM_001205294.2); short protein forms T1123A, T1104A.
Identifiers: ClinVar variation 3687049 (VCV003687049.2).
Genomic context (GRCh38, chr1:181,736,379, plus strand): 5'-GAGATCAGAGAGGATGAGGAGGAGGTGGAGAAGAAGAAGCAGAAGAAGGAGAAGCGTGAG[A>G]CAGGCAAAGCCATGGTGCCCCACAGCTCAATGTTCATCTTCAGCACCACCAACCCGTAAG-3'
Protein context (NP_001192222.1, residues 1113-1133): KKKQKKEKRE[Thr1123Ala]GKAMVPHSSM